The following is an entry in ClinVar:

NM_020778.5(ALPK3):c.4738A>C (p.Met1580Leu)

Gene: ALPK3 (alpha kinase 3; plus strand). Cytogenetic location: 15q25.3.
Variant type: single nucleotide variant.
Coding change: c.4738A>C on transcript NM_020778.5 (MANE Select); coding-DNA position 4738, A replaced by C.
Protein change: p.Met1580Leu; replaces methionine 1580 with leucine.
Molecular consequence: missense variant.
Genome position (GRCh38, 1-based): chr15:84,867,331, A>C. VCF-style: chr15-84867331-A-C. GRCh37 (hg19) VCF-style: chr15-85410562-A-C.
Other names: short protein forms M1580L.
Identifiers: ClinVar variation 1435229 (VCV001435229.6), dbSNP rs2141575659, ClinGen allele CA393365437.

ClinVar aggregate classification (germline): Uncertain significance (1 of 4 stars; one submission).

Allele frequency attached by ClinVar (database versions not stated): gnomAD exomes below 0.00001.

Submission:

Labcorp Genetics (formerly Invitae), Labcorp
Classification: Uncertain significance. Last evaluated: 2021-08-12. Review status: criteria provided, single submitter. Criteria: Invitae Variant Classification Sherloc (09022015). Collection method: clinical testing. Allele origin: germline.
Comment: In summary, the available evidence is currently insufficient to determine the role of this variant in disease. Therefore, it has been classified as a Variant of Uncertain Significance. Algorithms developed to predict the effect of missense changes on protein structure and function are either unavailable or do not agree on the potential impact of this missense change (SIFT: "Tolerated"; PolyPhen-2: "Possibly Damaging"; Align-GVGD: "Class C0"). This variant has not been reported in the literature in individuals affected with ALPK3-related conditions. This variant is not present in population databases (ExAC no frequency). This sequence change replaces methionine with leucine at codon 1782 of the ALPK3 protein (p.Met1782Leu). The methionine residue is moderately conserved and there is a small physicochemical difference between methionine and leucine.